The following is an entry in ClinVar:

ClinVar aggregate classification (germline): Uncertain significance (1 of 4 stars; one submission).

Conditions:
Congenital lipoid adrenal hyperplasia due to STAR deficency. Also called: Cholesterol monooxygenase (side-chain cleaving) deficiency; Lipoid adrenal hyperplasia; Congenital Lipoid Adrenal Hyperplasia; ADRENAL HYPERPLASIA I. Identifiers: Orphanet 418, Orphanet 90790, MedGen C0342474, MONDO:0008725, OMIM 201710.

Submission:

Neuberg Centre For Genomic Medicine, NCGM
Classification: Uncertain significance for Congenital lipoid adrenal hyperplasia due to STAR deficency. Review status: criteria provided, single submitter. Criteria: ACMG Guidelines, 2015. Collection method: clinical testing. Allele origin: germline. Inheritance: Autosomal recessive inheritance. Affected: yes.
Comment: The observed missense c.349G>A(p.Gly117Ser) variant in STAR gene has not been reported previously as a pathogenic variant nor as a benign variant, to our knowledge. This variant is absent in gnomAD Exomes. The amino acid Gly at position 117 is changed to a Ser changing protein sequence and it might alter its composition and physico-chemical properties. The amino acid change p.Gly117Ser in STAR is predicted as conserved by GERP++ and PhyloP across 100 vertebrates. The variant is predicted as damaging by SIFT. For these reasons, this variant has been classified as Uncertain Significance.

NM_000349.3(STAR):c.349G>A (p.Gly117Ser)

Gene: STAR (steroidogenic acute regulatory protein; minus strand). Cytogenetic location: 8p11.23.
Variant type: single nucleotide variant.
Coding change: c.349G>A on transcript NM_000349.3 (MANE Select); coding-DNA position 349, G replaced by A.
Protein change: p.Gly117Ser; replaces glycine 117 with serine.
Molecular consequence: missense variant.
Genome position (GRCh38, 1-based): chr8:38,146,405, C>T on the plus strand (G>A on the coding strand, the complement: STAR is on the minus strand). VCF-style: chr8-38146405-C-T. GRCh37 (hg19) VCF-style: chr8-38003923-C-T.
Other names: short protein forms G117S.
Identifiers: ClinVar variation 3250446 (VCV003250446.1), dbSNP rs2487063534.